The following is an entry in ClinVar:

ClinVar aggregate classification (germline): Conflicting classifications of pathogenicity. Review status: criteria provided, conflicting classifications (1 of 4 stars). 11 submissions from 10 submitters: Pathogenic (1); Likely pathogenic (7); Uncertain significance (2). 1 of the submissions does not count toward it. Last evaluated 2025-11-10.

Conditions:
Hereditary hyperinsulinism.
ABCC8-related disorder.
Type 2 diabetes mellitus. Also called: Type II diabetes mellitus. Identifiers: MedGen C0011860, MeSH D003924, MONDO:0005148, OMIM 125853, HP:0005978.
Hyperinsulinemic hypoglycemia, familial, 1 (HHF1). Also called: Persistent hyperinsulinemic hypoglycemia of infancy; Persistent Hyperinsulinemia Hypoglycemia of Infancy; HYPOGLYCEMIA, HYPERINSULINEMIC, OF INFANCY; NESIDIOBLASTOSIS OF PANCREAS; HYPERINSULINISM, FAMILIAL, WITH PANCREATIC NESIDIOBLASTOSIS. Identifiers: Orphanet 276575, Orphanet 276598, MedGen C2931832, MONDO:0009734, OMIM 256450.
Leucine-induced hypoglycemia (LIH). Also called: LEUCINE-SENSITIVE HYPOGLYCEMIA OF INFANCY. Identifiers: MedGen C0271714, MONDO:0009415, OMIM 240800.
Diabetes mellitus, transient neonatal, 2 (TNDM2). Identifiers: Orphanet 99886, MedGen C1835887, MONDO:0012480, OMIM 610374. Disease mechanism: loss of function.
Diabetes mellitus, permanent neonatal 3. Also called: ABCC8-Related Permanent Neonatal Diabetes Mellitus. Identifiers: MedGen C5394303, MONDO:0030088, OMIM 618857.
Transitory neonatal diabetes mellitus. Also called: Transient neonatal diabetes mellitus. Identifiers: MedGen C0342273, MONDO:0020525, HP:0008255.
Maturity-onset diabetes of the young (MODY). Also called: Maturity onset diabetes mellitus in young. Identifiers: Orphanet 552, MedGen C0342276, MONDO:0018911, HP:0004904.

Allele frequency attached by ClinVar (database versions not stated): gnomAD exomes below 0.00001 and 0.00001; ExAC 0.00001; TOPMed 0.00001.

Submissions (11):

Labcorp Genetics (formerly Invitae), Labcorp
Classification: Likely pathogenic. Last evaluated: 2025-11-10. Review status: criteria provided, single submitter. Criteria: Invitae Variant Classification Sherloc (09022015). Collection method: clinical testing. Allele origin: germline.
Comment: This variant, c.1732_1746dup, results in the insertion of 5 amino acid(s) of the ABCC8 protein (p.Ala578_Leu582dup), but otherwise preserves the integrity of the reading frame. This variant is present in population databases (rs757650373, gnomAD 0.009%). This variant has been observed in individual(s) with familial hyperinsulinism (PMID: 16429405, 20685672, 27188453, 32027066; internal data). In at least one individual the data is consistent with being in trans (on the opposite chromosome) from a pathogenic variant. ClinVar contains an entry for this variant (Variation ID: 217848). In summary, the currently available evidence indicates that the variant is pathogenic, but additional data are needed to prove that conclusively. Therefore, this variant has been classified as Likely Pathogenic.

Myriad Genetics, Inc.
Classification: Likely pathogenic for Hyperinsulinemic hypoglycemia, familial, 1. Last evaluated: 2025-11-07. Review status: criteria provided, single submitter. Criteria: Myriad Autosomal Dominant, Autosomal Recessive and X-Linked Classification Criteria (2023). Collection method: clinical testing. Allele origin: unknown.
Comment: NM_000352.3(ABCC8):c.1732_1746dup15(A578_L582dup) is an in-frame insertion classified as likely pathogenic in the context of familial hyperinsulinism, ABCC8-related. A578_L582dup has been observed in cases with relevant disease (PMID: 16429405, 20685672, 23275527, 27188453). Relevant functional assessments of this variant are not available in the literature. A578_L582dup has been observed in referenced population frequency databases. In summary, NM_000352.3(ABCC8):c.1732_1746dup15(A578_L582dup) is an in-frame insertion that has been observed more frequently in cases with the relevant disease than in healthy populations. Please note: this variant was assessed in the context of healthy population screening.

Natera, Inc.
Classification: Likely pathogenic for Hereditary hyperinsulinism. Last evaluated: 2025-06-26. Review status: criteria provided, single submitter. Criteria: Natera Variant Classification Schema (03/2026). Collection method: clinical testing. Allele origin: germline.
Comment: The c.1732_1746dupGCCTCCCTCTCCCTC variant in ABCC8 is an in-frame insertion. This variant is rare in the general population with a frequency below the threshold expected for the associated phenotype(s). This variant has been observed in one or more individuals affected with the associated recessive disease, as either homozygous or compound heterozygous with a second variant (PMID: 28442472, 16429405). This variant results in a change to the protein length while preserving reading frame, which may disrupt normal protein structure or function. Given the available evidence, this variant is classified as Likely Pathogenic.

PreventionGenetics, part of Exact Sciences
Classification: Likely pathogenic for ABCC8-related condition. Last evaluated: 2024-11-27. Review status: criteria provided, single submitter. Criteria: ACMG Guidelines, 2015. Collection method: clinical testing. Allele origin: germline.
Comment: The ABCC8 c.1732_1746dup15 variant is predicted to result in an in-frame duplication (p.Ala578_Leu582dup). This variant has been reported in the heterozygous state with and without a second potentially causative variant in four individuals with congenital hyperinsulinism (CHI) (Fernandez-Marmiesse et al. 2006. PubMed ID: 16429405; Bellanné-Chantelot et al. 2010. PubMed ID: 20685672; Martínez et al. 2016. PubMed ID: 27188453) and along with a pathogenic truncating variant in one additional individual with CHI (Supplemental Appendix, Snider et al. 2013. PubMed ID: 23275527). This variant is reported in 0.0087% of alleles in individuals of Latino descent in gnomAD. This variant is interpreted as likely pathogenic for autosomal recessive ABCC8 related disorders.

Fulgent Genetics
Classification: Likely pathogenic for Type 2 diabetes mellitus; Leucine-induced hypoglycemia; Hyperinsulinemic hypoglycemia, familial, 1; Diabetes mellitus, transient neonatal, 2; Diabetes mellitus, permanent neonatal 3. Last evaluated: 2024-05-02. Review status: criteria provided, single submitter. Criteria: ACMG Guidelines, 2015. Collection method: clinical testing. Allele origin: germline.

Baylor Genetics
Classification: Pathogenic for Type 2 diabetes mellitus. Last evaluated: 2024-03-13. Review status: criteria provided, single submitter. Criteria: ACMG Guidelines, 2015. Collection method: clinical testing. Allele origin: unknown.

Broad Center for Mendelian Genomics, Broad Institute of MIT and Harvard
Classification: Likely pathogenic for Hyperinsulinemic hypoglycemia, familial, 1. Last evaluated: 2023-08-16. Review status: criteria provided, single submitter. Criteria: ACMG Guidelines, 2015. Collection method: curation. Allele origin: germline. Inheritance: Autosomal recessive inheritance.
Comment: The c.1732_1746dup variant in ABCC8 has been previously reported in 5 individuals with hyperinsulinemic hypoglycemia (PMID: 20685672, 16429405, 23275527, 27188453), and has been seen in 0.009% (2/34592) of Latino/Admixed American chromosomes by the Genome Aggregation Database (gnomAD; dbSNP: rs757650373). Although this variant has been seen in the general population in a heterozygous state, its frequency is low enough to be consistent with a recessive carrier frequency. This variant has also been reported in ClinVar (Variation ID: 217848) and has been interpreted as a variant of uncertain significance by Clinical Genomics (Uppaluri K&H Personalized Medicine Clinic), and as likely pathogenic/pathogenic by Genetic Services Laboratory (University of Chicago) and Genomic Diagnostic Laboratory (Division of Genomic Diagnostics, Children's Hospital of Philadelphia). Of the 5 affected individuals, 1 was a compound heterozygote that carried a reported pathogenic variants in trans, which increases the likelihood that the c.1732_1746dup variant is pathogenic (Variation ID: 9086, PMID: 16429405). This variant is an insertion of 5 amino acids at position 582 and is not predicted to alter the protein reading-frame. It is unclear if this insertion will impact the protein. In summary, although additional studies are required to fully establish its clinical significance, this variant is likely pathogenic for autosomal recessive hyperinsulinemic hypoglycemia. ACMG/AMP Criteria applied: PM3, PM4, PM2 (Richards 2015).

Genetic Services Laboratory, University of Chicago
Classification: Likely pathogenic. Last evaluated: 2020-08-07. Review status: criteria provided, single submitter. Criteria: ACMG Guidelines, 2015. Collection method: clinical testing. Allele origin: germline. Affected: yes.
Comment: This sequence change is a 15 base pair duplication in exon 12, c.1732_1746dup. This in-frame duplication is predicted to result in the duplication of five amino acid residues, p.Ala578_Leu582dup. This specific duplication has been described in two patients with congenital hyperinsulinism (CHI) in the compound heterozygous state with another pathogenic variant in the same gene (PMIDs: 23275527, 27188453). It has also been described in the heterozygous state (paternally inherited) in two unelated patients with CHI (PMIDs: 20685672, 16429405). The c.1732_1746dup sequence change has been described in three heterozygous individuals in gnomAD which corresponds to a low population frequency of 0.0012% (dbSNP rs757650373).

Clinical Genomics, Uppaluri K&H Personalized Medicine Clinic
Classification: Uncertain significance for Transitory neonatal diabetes mellitus. Review status: criteria provided, single submitter. Criteria: K & H Uppaluri Personalized Medicine Clinic Variant Classification & Assertion Criteria_Updated V.1. Collection method: research. Allele origin: unknown. Inheritance: Somatic mutation.
Comment: Mutations in ABCC8 gene are associated with both neonatal diabetes mellitus as well as MODY. Patients with this mutation may have a better response to sulfonylureas. However, no sufficient evidence is found to ascertain the role of this particular variant (rs757650373) in neonatal diabetes yet.

Clinical Genomics, Uppaluri K&H Personalized Medicine Clinic
Classification: Uncertain significance for Maturity-onset diabetes of the young. Review status: criteria provided, single submitter. Criteria: K & H Uppaluri Personalized Medicine Clinic Variant Classification & Assertion Criteria_Updated V.1. Collection method: research. Allele origin: unknown. Inheritance: Somatic mutation.
Comment: Mutations in ABCC8 gene are associated with both neonatal diabetes mellitus as well as MODY. Patients with this mutation may have a better response to sulfonylureas. However, no sufficient evidence is found to ascertain the role of this particular variant (rs757650373) in MODY yet.

Genomic Diagnostic Laboratory, Division of Genomic Diagnostics, Children's Hospital of Philadelphia
Classification: Pathogenic. Last evaluated: 2015-10-07. Review status: no assertion criteria provided. Collection method: clinical testing. Allele origin: germline. Observed: 1 variant allele. Not counted in ClinVar's aggregate classification.
Comment: Clinical Testing

Literature cited by the submitters: PubMed 16429405 (cited by 3 submitters); PubMed 20685672 (cited by Labcorp Genetics (formerly Invitae), Labcorp and Myriad Genetics, Inc.); PubMed 27188453 (cited by Labcorp Genetics (formerly Invitae), Labcorp and Myriad Genetics, Inc.); PubMed 32027066 (cited by Labcorp Genetics (formerly Invitae), Labcorp and Clinical Genomics, Uppaluri K&H Personalized Medicine Clinic); PubMed 23275527 (cited by Myriad Genetics, Inc.); PubMed 28442472 (cited by Natera, Inc.); PubMed 16885549 (cited by Clinical Genomics, Uppaluri K&H Personalized Medicine Clinic); PubMed 27538677 (cited by Clinical Genomics, Uppaluri K&H Personalized Medicine Clinic); PubMed 21989597 (cited by Clinical Genomics, Uppaluri K&H Personalized Medicine Clinic); PubMed 18981553 (cited by Clinical Genomics, Uppaluri K&H Personalized Medicine Clinic); PubMed 16613899 (cited by Clinical Genomics, Uppaluri K&H Personalized Medicine Clinic); PubMed 18025408 (cited by Clinical Genomics, Uppaluri K&H Personalized Medicine Clinic); PubMed 32792356 (cited by Clinical Genomics, Uppaluri K&H Personalized Medicine Clinic).

NM_000352.6(ABCC8):c.1732_1746dup (p.Ala578_Leu582dup)

Gene: ABCC8 (ATP binding cassette subfamily C member 8; minus strand). Cytogenetic location: 11p15.1.
Variant type: Duplication.
Coding change: c.1732_1746dup on transcript NM_000352.6 (MANE Select); coding-DNA positions 1732 to 1746, 15 bases duplicated (GCCTCCCTCTCCCTC).
Protein change: p.Ala578_Leu582dup.
Molecular consequence: inframe insertion. On other transcripts: non-coding transcript variant (1).
Genome position (GRCh38, 1-based): chr11:17,430,885-17,430,899, GAGGGAGAGGGAGGC duplicated on the plus strand (GCCTCCCTCTCCCTC on the coding strand, the reverse complement: ABCC8 is on the minus strand). VCF-style (leftmost placement, unchanged base first): chr11-17430884-A-AGAGGGAGAGGGAGGC. GRCh37 (hg19) VCF-style: chr11-17452431-A-AGAGGGAGAGGGAGGC.
Other names: NM_000352.6(ABCC8):c.1732_1746dup; c.1732_1746dup, p.Ala578_Leu582dup (NM_001287174.3, NM_001351295.2); c.1729_1743dup, p.Ala577_Leu581dup (NM_001351296.2, NM_001351297.2); c.1732_1746dupGCCTCCCTCTCCCTC (NM_000352.4); c.1732_1746dup15 (NM_000352.4).
Identifiers: ClinVar variation 217848 (VCV000217848.13), dbSNP rs757650373, ClinGen allele CA248473.